The following is an entry in ClinVar:

ClinVar aggregate classification (germline): Uncertain significance (1 of 4 stars; one submission).

Allele frequency attached by ClinVar (database versions not stated): TOPMed below 0.00001; gnomAD 0.00001.

Submission:

Labcorp Genetics (formerly Invitae), Labcorp
Classification: Uncertain significance. Last evaluated: 2021-04-09. Review status: criteria provided, single submitter. Criteria: Invitae Variant Classification Sherloc (09022015). Collection method: clinical testing. Allele origin: germline.
Comment: In summary, the available evidence is currently insufficient to determine the role of this variant in disease. Therefore, it has been classified as a Variant of Uncertain Significance. Nucleotide substitutions within the consensus splice site are a relatively common cause of aberrant splicing (PMID: 17576681, 9536098). Algorithms developed to predict the effect of sequence changes on RNA splicing suggest that this variant is not likely to affect RNA splicing, but this prediction has not been confirmed by published transcriptional studies. This variant has not been reported in the literature in individuals with GTPBP3-related conditions. The frequency data for this variant in the population databases is considered unreliable, as metrics indicate insufficient coverage at this position in the ExAC database. This sequence change falls in intron 1 of the GTPBP3 gene. It does not directly change the encoded amino acid sequence of the GTPBP3 protein. It affects a nucleotide within the consensus splice site of the intron.

Literature cited by the submitters: PubMed 17576681; PubMed 9536098.

NM_032620.4(GTPBP3):c.53+6G>A

Gene: GTPBP3 (GTP binding protein 3, mitochondrial; plus strand). Cytogenetic location: 19p13.11.
Variant type: single nucleotide variant.
Coding change: c.53+6G>A on transcript NM_032620.4 (MANE Select); 6 bases into the intron after coding-DNA position 53, G replaced by A.
Molecular consequence: intron variant.
Genome position (GRCh38, 1-based): chr19:17,337,670, G>A. VCF-style: chr19-17337670-G-A. GRCh37 (hg19) VCF-style: chr19-17448479-G-A.
Other names: c.120-338G>A (NM_001195422.1); c.53+6G>A (NM_133644.4, NM_001128855.3).
Identifiers: ClinVar variation 1370631 (VCV001370631.4), dbSNP rs2074379810, ClinGen allele CA994105712.